The following is an entry in ClinVar:

ClinVar aggregate classification (germline): Uncertain significance (1 of 4 stars; one submission).

Conditions:
TH-deficient dopa-responsive dystonia. Also called: Tyrosine Hydroxylase-Deficient Dopa-Responsive Dystonia; Segawa syndrome, autosomal recessive; DYT-TH. Identifiers: Orphanet 101150, MedGen C2673535, MONDO:0011551, OMIM 605407.

Submission:

Labcorp Genetics (formerly Invitae), Labcorp
Classification: Uncertain significance for TH-deficient dopa-responsive dystonia. Last evaluated: 2021-10-11. Review status: criteria provided, single submitter. Criteria: Invitae Variant Classification Sherloc (09022015). Collection method: clinical testing. Allele origin: germline.
Comment: In summary, the available evidence is currently insufficient to determine the role of this variant in disease. Therefore, it has been classified as a Variant of Uncertain Significance. Advanced modeling of protein sequence and biophysical properties (such as structural, functional, and spatial information, amino acid conservation, physicochemical variation, residue mobility, and thermodynamic stability) performed at Invitae indicates that this missense variant is not expected to disrupt TH protein function. This variant has not been reported in the literature in individuals affected with TH-related conditions. This variant is not present in population databases (ExAC no frequency). This sequence change replaces valine with isoleucine at codon 461 of the TH protein (p.Val461Ile). The valine residue is highly conserved and there is a small physicochemical difference between valine and isoleucine.

NM_000360.4(TH):c.1288G>A (p.Val430Ile)

Gene: TH (tyrosine hydroxylase; minus strand). Cytogenetic location: 11p15.5.
Variant type: single nucleotide variant.
Coding change: c.1288G>A on transcript NM_000360.4 (MANE Select); coding-DNA position 1288, G replaced by A.
Protein change: p.Val430Ile; replaces valine 430 with isoleucine.
Molecular consequence: missense variant.
Genome position (GRCh38, 1-based): chr11:2,165,278, C>T on the plus strand (G>A on the coding strand, the complement: TH is on the minus strand). VCF-style: chr11-2165278-C-T. GRCh37 (hg19) VCF-style: chr11-2186508-C-T.
Other names: c.1381G>A, p.Val461Ile (NM_199292.3); c.1369G>A, p.Val457Ile (NM_199293.3); short protein forms V430I, V457I, V461I.
Identifiers: ClinVar variation 1432512 (VCV001432512.5), dbSNP rs2133688950, ClinGen allele CA379125024.
Genomic context (GRCh38, chr11:2,165,278, plus strand): 5'-GCAGCCTAGCCCACCTGAGCTTGTCCTTGGCGTCACTGAAGCTCTCAGACACGAAGTAGA[C>T]TGACTGGTACGTCTGGTCTTGGTAGGGCTGCACGGCCGCAGCCTCAGGGTCGAAGGCCCG-3'
Protein context (NP_000351.2, residues 420-440): QPYQDQTYQS[Val430Ile]YFVSESFSDA